The following is an entry in ClinVar:

ClinVar aggregate classification (germline): Uncertain significance (1 of 4 stars; one submission).

Conditions:
Hereditary breast ovarian cancer syndrome. Also called: Hereditary breast and ovarian cancer syndrome; Hereditary breast and/or ovarian cancer syndrome; Hereditary breast and ovarian cancer; Hereditary breast and ovarian cancer syndrome (HBOC); Breast and ovarian cancer; BRCA1- and BRCA2-Associated Hereditary Breast and Ovarian Cancer. Identifiers: Orphanet 145, MedGen C0677776, MeSH D061325, MONDO:0003582. Disease mechanism: loss of function.

gnomAD v4.1: 1 of 1,614,074 alleles (0.000062%); highest among the groups gnomAD compares: Non-Finnish European, 0.000085%; no homozygotes.

Submission:

Labcorp Genetics (formerly Invitae), Labcorp
Classification: Uncertain significance for Hereditary breast ovarian cancer syndrome. Last evaluated: 2021-08-30. Review status: criteria provided, single submitter. Criteria: Invitae Variant Classification Sherloc (09022015). Collection method: clinical testing. Allele origin: germline.
Comment: This sequence change replaces serine with leucine at codon 2887 of the BRCA2 protein (p.Ser2887Leu). The serine residue is moderately conserved and there is a large physicochemical difference between serine and leucine. This variant is not present in population databases (ExAC no frequency). This variant has not been reported in the literature in individuals affected with BRCA2-related conditions. Advanced modeling of protein sequence and biophysical properties (such as structural, functional, and spatial information, amino acid conservation, physicochemical variation, residue mobility, and thermodynamic stability) performed at Invitae indicates that this missense variant is not expected to disrupt BRCA2 protein function. In summary, the available evidence is currently insufficient to determine the role of this variant in disease. Therefore, it has been classified as a Variant of Uncertain Significance.

NM_000059.4(BRCA2):c.8660C>T (p.Ser2887Leu)

Gene: BRCA2 (BRCA2 DNA repair associated; plus strand). Cytogenetic location: 13q13.1.
Variant type: single nucleotide variant.
Coding change: c.8660C>T on transcript NM_000059.4 (MANE Select); coding-DNA position 8660, C replaced by T.
Protein change: p.Ser2887Leu; replaces serine 2887 with leucine.
Molecular consequence: missense variant.
Genome position (GRCh38, 1-based): chr13:32,376,697, C>T. VCF-style: chr13-32376697-C-T. GRCh37 (hg19) VCF-style: chr13-32950834-C-T.
Other names: short protein forms S2887L.
Identifiers: ClinVar variation 1035117 (VCV001035117.6), dbSNP rs2072874696, ClinGen allele CA387754720.